The following is an entry in ClinVar:

ClinVar aggregate classification (germline): Benign/Likely benign. Review status: criteria provided, multiple submitters, no conflicts (2 of 4 stars). 15 submissions from 15 submitters: Benign (8); Likely benign (7). Last evaluated 2026-02-02.

Conditions:
APC-related disorder. Also called: APC-related condition.
Gardner syndrome (GS). Also called: Gardner's syndrome; Polyposis coli and multiple hard and soft tissue tumors; Intestinal polyposis, osteomas, sebaceous cysts. Identifiers: MedGen C0017097, MONDO:0019336. Disease mechanism: loss of function.
Turcot syndrome with polyposis. Identifiers: MedGen CN276973, MONDO:0020497.
Classic or attenuated familial adenomatous polyposis. Identifiers: MedGen CN372698, MONDO:0021057.
Hereditary cancer-predisposing syndrome. Also called: Neoplastic Syndromes, Hereditary; Tumor predisposition; Hereditary Cancer Syndrome; Hereditary neoplastic syndrome. Identifiers: Orphanet 140162, MedGen C0027672, MeSH D009386, MONDO:0015356.
Familial adenomatous polyposis 1 (FAP1). Also called: FAMILIAL ADENOMATOUS POLYPOSIS 1, ATTENUATED; POLYPOSIS, ADENOMATOUS INTESTINAL. Identifiers: MedGen C2713442, MONDO:0021056, OMIM 175100. Disease mechanism: loss of function.

Allele frequency attached by ClinVar (database versions not stated): gnomAD below 0.00001 and 0.00010; TOPMed 0.00002; gnomAD exomes 0.00013 and 0.00027; ExAC 0.00027; 1000 Genomes Project 30x 0.00062; 1000 Genomes Project 0.00080.

Submissions (15):

Labcorp Genetics (formerly Invitae), Labcorp
Classification: Benign for Familial adenomatous polyposis 1. Last evaluated: 2026-02-02. Review status: criteria provided, single submitter. Criteria: Invitae Variant Classification Sherloc (09022015). Collection method: clinical testing. Allele origin: germline.

Center for Genomic Medicine, Rigshospitalet, Copenhagen University Hospital
Classification: Likely benign. Last evaluated: 2025-03-04. Review status: criteria provided, single submitter. Criteria: ACMG Guidelines, 2015. Collection method: clinical testing. Allele origin: germline.

Blueprint Genetics
Classification: Likely benign. Last evaluated: 2024-11-18. Review status: criteria provided, single submitter. Criteria: ACMG Guidelines, 2015. Collection method: clinical testing. Allele origin: germline.

Women's Health and Genetics/Laboratory Corporation of America, LabCorp
Classification: Benign. Last evaluated: 2024-11-16. Review status: criteria provided, single submitter. Criteria: LabCorp Variant Classification Summary - May 2015. Collection method: clinical testing. Allele origin: germline.

PreventionGenetics, part of Exact Sciences
Classification: Likely benign for APC-related condition. Last evaluated: 2024-10-09. Review status: criteria provided, single submitter. Criteria: ACMG Guidelines, 2015. Collection method: clinical testing. Allele origin: germline.
Comment: This variant is classified as likely benign based on ACMG/AMP sequence variant interpretation guidelines (Richards et al. 2015 PMID: 25741868, with internal and published modifications).

Myriad Genetics, Inc.
Classification: Benign for Familial adenomatous polyposis 1. Last evaluated: 2024-02-22. Review status: criteria provided, single submitter. Criteria: Myriad Autosomal Dominant, Autosomal Recessive and X-Linked Classification Criteria (2023). Collection method: clinical testing. Allele origin: unknown.
Comment: This variant is considered benign. This variant is a silent/synonymous amino acid change and it is not expected to impact splicing.

All of Us Research Program, National Institutes of Health
Classification: Benign for Classic or attenuated familial adenomatous polyposis. Last evaluated: 2023-12-13. Review status: criteria provided, single submitter. Criteria: ACMG Guidelines, 2015. Collection method: clinical testing. Allele origin: germline. Inheritance: Autosomal dominant inheritance. Observed: 13 variant alleles, 13 heterozygotes.
Comment: This study involves interpretation of variants in research participants for the purpose of population health screening. Participant phenotype was not available at the time of variant classification. Additional details can be found in publication PMID: 35346344, PMCID: PMC8962531

KCCC/NGS Laboratory, Kuwait Cancer Control Center
Classification: Benign for Familial adenomatous polyposis 1. Last evaluated: 2023-07-07. Review status: criteria provided, single submitter. Criteria: ACMG Guidelines, 2015. Collection method: clinical testing. Allele origin: germline. Affected: yes.

Department of Pathology and Laboratory Medicine, Sinai Health System
Classification: Likely benign. Last evaluated: 2021-11-30. Review status: criteria provided, single submitter. Criteria: ACMG Guidelines, 2015. Collection method: clinical testing. Allele origin: germline. Affected: yes.

Laboratory for Molecular Medicine, Mass General Brigham Personalized Medicine
Classification: Likely benign. Last evaluated: 2021-09-03. Review status: criteria provided, single submitter. Criteria: ACMG Guidelines, 2015. Collection method: clinical testing. Allele origin: germline.
Comment: The p.Leu87Leu variant in APC is classified as likely benign because it does not alter an amino acid residue, is not located within the splice consensus site, and computational splice prediction tools do not predict an impact on splicing. It has been identified in 0.21% (64/30616) of South Asian chromosomes by gnomAD. ACMG/AMP Criteria applied: BP4, BP7.

GeneDx
Classification: Likely benign. Last evaluated: 2021-05-05. Review status: criteria provided, single submitter. Criteria: GeneDx Variant Classification Process June 2021. Collection method: clinical testing. Allele origin: germline. Affected: yes.

Sema4
Classification: Benign for Hereditary cancer-predisposing syndrome. Last evaluated: 2021-04-13. Review status: criteria provided, single submitter. Criteria: Sema4 Curation Guidelines. Collection method: curation. Allele origin: germline.

Quest Diagnostics Nichols Institute San Juan Capistrano
Classification: Benign. Last evaluated: 2019-02-14. Review status: criteria provided, single submitter. Criteria: Quest Diagnostics criteria. Collection method: clinical testing. Allele origin: germline.

Color Diagnostics, LLC DBA Color Health
Classification: Benign for Hereditary cancer-predisposing syndrome. Last evaluated: 2016-05-28. Review status: criteria provided, single submitter. Criteria: ACMG Guidelines, 2015. Collection method: clinical testing. Allele origin: germline.

Ambry Genetics
Classification: Likely benign for Hereditary cancer-predisposing syndrome. Last evaluated: 2015-04-21. Review status: criteria provided, single submitter. Criteria: Ambry Variant Classification Scheme 2023. Collection method: clinical testing. Allele origin: germline.

NM_000038.6(APC):c.259C>T (p.Leu87=)

Gene: APC (APC regulator of Wnt signaling pathway; plus strand). Cytogenetic location: 5q22.2.
Variant type: single nucleotide variant.
Coding change: c.259C>T on transcript NM_000038.6 (MANE Select); coding-DNA position 259, C replaced by T.
Protein change: p.Leu87=; no amino-acid change (leucine 87 retained).
Molecular consequence: synonymous variant. On other transcripts: 5 prime UTR variant (1).
Genome position (GRCh38, 1-based): chr5:112,767,227, C>T. VCF-style: chr5-112767227-C-T. GRCh37 (hg19) VCF-style: chr5-112102924-C-T.
Other names: c.259C>T, p.Leu87= (NM_001127510.3, NM_001354895.2, NM_001354896.2 and 2 more transcripts); c.289C>T, p.Leu97= (NM_001127511.3, NM_001354897.2, NM_001354902.2); c.184C>T, p.Leu62= (NM_001354898.2, NM_001354904.2); c.82C>T, p.Leu28= (NM_001354900.2, NM_001354901.2, NM_001354905.2); c.-777C>T (NM_001354906.2).
Identifiers: ClinVar variation 135691 (VCV000135691.30), dbSNP rs569640184, ClinGen allele CA007647.
Genomic context (GRCh38, chr5:112,767,227, plus strand): 5'-AACTTGTTTCTATTTTATTTAGAGCTTAACTTAGATAGCAGTAATTTCCCTGGAGTAAAA[C>T]TGCGGTCAAAAATGTCCCTCCGTTCTTATGGAAGCCGGGAAGGATCTGTATCAAGCCGTT-3'
Protein context (NP_000029.2, residues 77-97): LDSSNFPGVK[Leu87=]RSKMSLRSYG